The following is an entry in ClinVar:

NM_004667.6(HERC2):c.12757G>A (p.Ala4253Thr)

Gene: HERC2 (HECT and RLD domain containing E3 ubiquitin protein ligase 2; minus strand). Cytogenetic location: 15q13.1.
Variant type: single nucleotide variant.
Coding change: c.12757G>A on transcript NM_004667.6 (MANE Select); coding-DNA position 12757, G replaced by A.
Protein change: p.Ala4253Thr; replaces alanine 4253 with threonine.
Molecular consequence: missense variant.
Genome position (GRCh38, 1-based): chr15:28,130,208, C>T on the plus strand (G>A on the coding strand, the complement: HERC2 is on the minus strand). VCF-style: chr15-28130208-C-T. GRCh37 (hg19) VCF-style: chr15-28375354-C-T.
Other names: short protein forms A4253T.
Identifiers: ClinVar variation 397626 (VCV000397626.6), dbSNP rs145535698, ClinGen allele CA7440220.

ClinVar aggregate classification (germline): Uncertain significance. Review status: criteria provided, multiple submitters, no conflicts (2 of 4 stars). 3 submissions from 3 submitters: Uncertain significance (3). Last evaluated 2026-08-06.

Conditions:
Developmental delay with autism spectrum disorder and gait instability (MRT38). Also called: Intellectual developmental disorder, autosomal recessive 38. Identifiers: Orphanet 329195, MedGen C3809753, MONDO:0014224, OMIM 615516.
Global developmental delay (DD). Also called: Cognitive delay. Identifiers: MedGen C0557874, HP:0001263. Disease mechanism: loss of function.

Allele frequency attached by ClinVar (database versions not stated): ExAC 0.00012; gnomAD 0.00023 and 0.00024; TOPMed 0.00011; ESP Exome Variant Server 0.00015.
gnomAD v4.1: 366 of 1,614,182 alleles (0.023%); highest among the groups gnomAD compares: Middle Eastern, 0.033%; no homozygotes.

Submissions (3):

GeneDx
Classification: Uncertain significance. Last evaluated: 2026-08-06. Review status: criteria provided, single submitter. Criteria: GeneDx Variant Classification Process June 2021. Collection method: clinical testing. Allele origin: germline.
Comment: In silico analysis suggests that this missense variant does not alter protein structure/function; Has not been previously published as pathogenic or benign to our knowledge

Baylor Genetics
Classification: Uncertain significance for Developmental delay with autism spectrum disorder and gait instability. Last evaluated: 2023-05-15. Review status: criteria provided, single submitter. Criteria: ACMG Guidelines, 2015. Collection method: clinical testing. Allele origin: unknown.

Claritas Genomics
Classification: Uncertain significance. Last evaluated: 2017-02-21. Review status: criteria provided, single submitter. Criteria: ACMG Guidelines, 2015. Collection method: clinical testing. Allele origin: germline. Affected: yes.